The following is an entry in ClinVar:

NM_152906.7(TANGO2):c.320A>G (p.Lys107Arg)

Gene: TANGO2 (transport and golgi organization 2 homolog; plus strand). Cytogenetic location: 22q11.21.
Variant type: single nucleotide variant.
Coding change: c.320A>G on transcript NM_152906.7 (MANE Select); coding-DNA position 320, A replaced by G.
Protein change: p.Lys107Arg; replaces lysine 107 with arginine.
Molecular consequence: missense variant. On other transcripts: non-coding transcript variant (1), intron variant (18).
Genome position (GRCh38, 1-based): chr22:20,053,491, A>G. VCF-style: chr22-20053491-A-G. GRCh37 (hg19) VCF-style: chr22-20041014-A-G.
Other names: c.320A>G, p.Lys107Arg (NM_001283106.3, NM_001283116.3, NM_001283148.3 and 3 more transcripts); c.443A>G, p.Lys148Arg (NM_001283129.3, NM_001283215.3, NM_001322141.2 and 3 more transcripts); c.218A>G, p.Lys73Arg (NM_001322146.2, NM_001322148.2, NM_001322160.2); c.265+907A>G (NM_001322163.2, NM_001283179.3, NM_001322167.2 and 4 more transcripts); c.86+907A>G (NM_001322174.2, NM_001322172.2, NM_001322175.2 and 6 more transcripts); c.388+907A>G (NM_001322145.2, NM_001322147.2); short protein forms K148R, K73R, K107R.
Identifiers: ClinVar variation 1388056 (VCV001388056.3), dbSNP rs775467764, ClinGen allele CA10106287.

ClinVar aggregate classification (germline): Uncertain significance (1 of 4 stars; one submission).

Allele frequency attached by ClinVar (database versions not stated): TOPMed below 0.00001.
gnomAD v4.1: 8 of 1,614,022 alleles (0.0005%); highest among the groups gnomAD compares: South Asian, 0.0011%; no homozygotes.

Submission:

Labcorp Genetics (formerly Invitae), Labcorp
Classification: Uncertain significance. Last evaluated: 2022-03-22. Review status: criteria provided, single submitter. Criteria: Invitae Variant Classification Sherloc (09022015). Collection method: clinical testing. Allele origin: germline.
Comment: This sequence change replaces lysine with arginine at codon 107 of the TANGO2 protein (p.Lys107Arg). The lysine residue is moderately conserved and there is a small physicochemical difference between lysine and arginine. This variant is present in population databases (rs775467764, gnomAD 0.0009%). This variant has not been reported in the literature in individuals affected with TANGO2-related conditions. Algorithms developed to predict the effect of missense changes on protein structure and function are either unavailable or do not agree on the potential impact of this missense change (SIFT: "Not Available"; PolyPhen-2: "Benign"; Align-GVGD: "Not Available"). In summary, the available evidence is currently insufficient to determine the role of this variant in disease. Therefore, it has been classified as a Variant of Uncertain Significance.